The following is an entry in ClinVar:

ClinVar aggregate classification (germline): Uncertain significance (1 of 4 stars; one submission).

Submission:

Women's Health and Genetics/Laboratory Corporation of America, LabCorp
Classification: Uncertain significance. Last evaluated: 2025-10-28. Review status: criteria provided, single submitter. Criteria: LabCorp Variant Classification Summary - May 2015. Collection method: clinical testing. Allele origin: germline.
Comment: Variant summary: MLC1 c.929T>C (p.Leu310Pro) results in a non-conservative amino acid change in the encoded protein sequence. Algorithms developed to predict the effect of missense changes on protein structure and function all suggest that this variant is likely to be disruptive. The variant was absent in 233570 control chromosomes. The available data on variant occurrences in the general population are insufficient to allow any conclusion about variant significance. To our knowledge, no occurrence of c.929T>C in individuals affected with MLC1-related conditions and no experimental evidence demonstrating its impact on protein function have been reported. No submitters have cited clinical-significance assessments for this variant to ClinVar. Based on the evidence outlined above, the variant was classified as uncertain significance.

NM_015166.4(MLC1):c.929T>C (p.Leu310Pro)

Gene: MLC1 (modulator of VRAC current 1; minus strand). Cytogenetic location: 22q13.33.
Variant type: single nucleotide variant.
Coding change: c.929T>C on transcript NM_015166.4 (MANE Select); coding-DNA position 929, T replaced by C.
Protein change: p.Leu310Pro; replaces leucine 310 with proline.
Molecular consequence: missense variant. On other transcripts: non-coding transcript variant (3).
Genome position (GRCh38, 1-based): chr22:50,064,164, A>G on the plus strand (T>C on the coding strand, the complement: MLC1 is on the minus strand). VCF-style: chr22-50064164-A-G. GRCh37 (hg19) VCF-style: chr22-50502593-A-G.
Other names: c.929T>C, p.Leu310Pro (NM_001376472.1, NM_001376473.1, NM_001376474.1 and 5 more transcripts); c.872T>C, p.Leu291Pro (NM_001376479.1); c.839T>C, p.Leu280Pro (NM_001376480.1); c.827T>C, p.Leu276Pro (NM_001376481.1); c.773T>C, p.Leu258Pro (NM_001376482.1, NM_001376483.1); c.692T>C, p.Leu231Pro (NM_001376484.1); short protein forms L231P, L258P, L276P, L280P, L291P, L310P.
Identifiers: ClinVar variation 4687698 (VCV004687698.1).